The following is an entry in ClinVar:

ClinVar aggregate classification (germline): Likely benign. Review status: criteria provided, multiple submitters, no conflicts (2 of 4 stars). 3 submissions from 3 submitters: Likely benign (3). Last evaluated 2025-05-02.

Conditions:
Arrhythmogenic right ventricular dysplasia 11. Also called: Arrhythmogenic Right Ventricular Dysplasia/Cardiomyopathy11; ARRHYTHMOGENIC RIGHT VENTRICULAR DYSPLASIA, FAMILIAL, 11; Arrhythmogenic right ventricular dysplasia 11 with mild palmoplantar keratoderma and woolly hair. Identifiers: MedGen C1864850, MONDO:0012506, OMIM 610476.
Cardiovascular phenotype. Identifiers: MedGen CN230736.

gnomAD v4.1: 6 of 1,614,072 alleles (0.00037%); highest among the groups gnomAD compares: Non-Finnish European, 0.00051%; no homozygotes.

Submissions (3):

Ambry Genetics
Classification: Likely benign for Cardiovascular phenotype. Last evaluated: 2025-05-02. Review status: criteria provided, single submitter. Criteria: Ambry Variant Classification Scheme 2023. Collection method: clinical testing. Allele origin: germline.

Labcorp Genetics (formerly Invitae), Labcorp
Classification: Likely benign for Arrhythmogenic right ventricular dysplasia 11. Last evaluated: 2021-06-29. Review status: criteria provided, single submitter. Criteria: Invitae Variant Classification Sherloc (09022015). Collection method: clinical testing. Allele origin: germline.

GeneDx
Classification: Likely benign. Last evaluated: 2016-03-24. Review status: criteria provided, single submitter. Criteria: GeneDx Variant Classification (06012015). Collection method: clinical testing. Allele origin: germline. Affected: yes.
Comment: This variant is considered likely benign or benign based on one or more of the following criteria: it is a conservative change, it occurs at a poorly conserved position in the protein, it is predicted to be benign by multiple in silico algorithms, and/or has population frequency not consistent with disease.

NM_024422.6(DSC2):c.1938T>C (p.Tyr646=)

Gene: DSC2 (desmocollin 2; minus strand). Cytogenetic location: 18q12.1.
Variant type: single nucleotide variant.
Coding change: c.1938T>C on transcript NM_024422.6 (MANE Select); coding-DNA position 1938, T replaced by C.
Protein change: p.Tyr646=; no amino-acid change (tyrosine 646 retained).
Molecular consequence: synonymous variant.
Genome position (GRCh38, 1-based): chr18:31,071,792, A>G on the plus strand (T>C on the coding strand, the complement: DSC2 is on the minus strand). VCF-style: chr18-31071792-A-G. GRCh37 (hg19) VCF-style: chr18-28651758-A-G.
Other names: c.1938T>C, p.Tyr646= (NM_004949.5).
Identifiers: ClinVar variation 385101 (VCV000385101.10), dbSNP rs397517395, ClinGen allele CA16607905.
Genomic context (GRCh38, chr18:31,071,792, plus strand): 5'-AACATCCAATGAAGTGACACTAGACATGCCAAGTCTATCTCTCACTGTTATAGGTACTAC[A>G]TATGAGCCAAATGGAGGATCATTCTGATAGGAAAGACGTGCTGCTGTATCTGAAAATATA-3'
Protein context (NP_077740.1, residues 636-656): SYQNDPPFGS[Tyr646=]VVPITVRDRL